The following is an entry in ClinVar:

NM_000426.4(LAMA2):c.4711T>C (p.Cys1571Arg)

Gene: LAMA2 (laminin subunit alpha 2; plus strand). Cytogenetic location: 6q22.33.
Variant type: single nucleotide variant.
Coding change: c.4711T>C on transcript NM_000426.4 (MANE Select); coding-DNA position 4711, T replaced by C.
Protein change: p.Cys1571Arg; replaces cysteine 1571 with arginine.
Molecular consequence: missense variant.
Genome position (GRCh38, 1-based): chr6:129,353,351, T>C. VCF-style: chr6-129353351-T-C. GRCh37 (hg19) VCF-style: chr6-129674496-T-C.
Other names: c.4711T>C, p.Cys1571Arg (NM_001079823.2); short protein forms C1571R.
Identifiers: ClinVar variation 1411076 (VCV001411076.4), dbSNP rs745647209, ClinGen allele CA3993636.
Genomic context (GRCh38, chr6:129,353,351, plus strand): 5'-GGAGCCACGGGAAGGAAGTGTGACGGCTGCAAGCACTGGCATGCACGCGAGGGCTGGGAG[T>C]GTGTTTGTACGTATACTAACTTTGCTGTTAGTTTTGGAGGCCTTGATTCCAGTTCTGTCT-3'
Protein context (NP_000417.3, residues 1561-1581): KHWHAREGWE[Cys1571Arg]VFCGDECTGL

ClinVar aggregate classification (germline): Uncertain significance (1 of 4 stars; one submission).

Conditions:
LAMA2-related muscular dystrophy (LAMA2-RD). Also called: Laminin alpha 2-related dystrophy. Identifiers: MedGen C5679788, MONDO:0100228.

Allele frequency attached by ClinVar (database versions not stated): gnomAD exomes below 0.00001; ExAC 0.00001.
gnomAD v4.1: 1 of 1,613,028 alleles (0.000062%); highest among the groups gnomAD compares: South Asian, 0.0011%; no homozygotes.

Submission:

Labcorp Genetics (formerly Invitae), Labcorp
Classification: Uncertain significance for LAMA2-related muscular dystrophy. Last evaluated: 2021-09-02. Review status: criteria provided, single submitter. Criteria: Invitae Variant Classification Sherloc (09022015). Collection method: clinical testing. Allele origin: germline.
Comment: This sequence change replaces cysteine with arginine at codon 1571 of the LAMA2 protein (p.Cys1571Arg). The cysteine residue is moderately conserved and there is a large physicochemical difference between cysteine and arginine. In summary, the available evidence is currently insufficient to determine the role of this variant in disease. Therefore, it has been classified as a Variant of Uncertain Significance. Advanced modeling of protein sequence and biophysical properties (such as structural, functional, and spatial information, amino acid conservation, physicochemical variation, residue mobility, and thermodynamic stability) performed at Invitae indicates that this missense variant is not expected to disrupt LAMA2 protein function. This variant has not been reported in the literature in individuals affected with LAMA2-related conditions. This variant is present in population databases (rs745647209, ExAC 0.006%).